The following is an entry in ClinVar:

NM_000535.7(PMS2):c.884G>T (p.Arg295Leu)

Gene: PMS2 (PMS1 homolog 2, mismatch repair system component; minus strand). Cytogenetic location: 7p22.1.
Variant type: single nucleotide variant.
Coding change: c.884G>T on transcript NM_000535.7 (MANE Select); coding-DNA position 884, G replaced by T.
Protein change: p.Arg295Leu; replaces arginine 295 with leucine.
Molecular consequence: missense variant. On other transcripts: 5 prime UTR variant (2), non-coding transcript variant (1), intron variant (4).
Genome position (GRCh38, 1-based): chr7:5,995,553, C>A on the plus strand (G>T on the coding strand, the complement: PMS2 is on the minus strand). VCF-style: chr7-5995553-C-A. GRCh37 (hg19) VCF-style: chr7-6035184-C-A.
Other names: c.479G>T, p.Arg160Leu (NM_001018040.1, NM_001322003.2, NM_001322004.2 and 20 more transcripts); c.884G>T, p.Arg295Leu (NM_001322006.2, NM_001322014.2, NM_001406870.1 and 2 more transcripts); c.566G>T, p.Arg189Leu (NM_001322007.2, NM_001322008.2, NM_001406876.1 and 4 more transcripts); c.-50G>T (NM_001322011.2, NM_001322012.2); c.311G>T, p.Arg104Leu (NM_001322013.2, NM_001406909.1); c.575G>T, p.Arg192Leu (NM_001322015.2, NM_001406875.1, NM_001406877.1 and 6 more transcripts); c.1070G>T, p.Arg357Leu (NM_001406866.1); c.908G>T, p.Arg303Leu (NM_001406868.1); and 8 more; short protein forms R124L, R357L, R239L, R259L, R303L, R104L, R183L, R189L.
Identifiers: ClinVar variation 2852332 (VCV002852332.4), dbSNP rs369763423, ClinGen allele CA052107.

ClinVar aggregate classification (germline): Uncertain significance. Review status: criteria provided, multiple submitters, no conflicts (2 of 4 stars). 2 submissions from 2 submitters: Uncertain significance (2). Last evaluated 2026-07-20.

Conditions:
Hereditary cancer-predisposing syndrome. Also called: Hereditary Cancer Syndrome; Hereditary neoplastic syndrome; Neoplastic Syndromes, Hereditary; Tumor predisposition. Identifiers: Orphanet 140162, MedGen C0027672, MeSH D009386, MONDO:0015356.
Hereditary nonpolyposis colorectal neoplasms. Identifiers: MedGen C0009405, MeSH D003123.

Allele frequency attached by ClinVar (database versions not stated): ESP Exome Variant Server 0.00008.

Submissions (2):

Ambry Genetics
Classification: Uncertain significance for Hereditary cancer-predisposing syndrome. Last evaluated: 2026-07-20. Review status: criteria provided, single submitter. Criteria: Ambry Variant Classification Scheme 2023. Collection method: clinical testing. Allele origin: germline.
Comment: The p.R295L variant (also known as c.884G>T), located in coding exon 8 of the PMS2 gene, results from a G to T substitution at nucleotide position 884. The arginine at codon 295 is replaced by leucine, an amino acid with dissimilar properties. This amino acid position is well conserved in available vertebrate species. In addition, this alteration is predicted to be deleterious by in silico analysis. Based on the available evidence, the clinical significance of this variant remains unclear.

Labcorp Genetics (formerly Invitae), Labcorp
Classification: Uncertain significance for Hereditary nonpolyposis colorectal neoplasms. Last evaluated: 2025-12-18. Review status: criteria provided, single submitter. Criteria: Invitae Variant Classification Sherloc (09022015). Collection method: clinical testing. Allele origin: germline.
Comment: This sequence change replaces arginine, which is basic and polar, with leucine, which is neutral and non-polar, at codon 295 of the PMS2 protein (p.Arg295Leu). This variant is present in population databases (rs369763423, gnomAD 0.0009%). This variant has not been reported in the literature in individuals affected with PMS2-related conditions. ClinVar contains an entry for this variant (Variation ID: 2852332). Invitae Evidence Modeling incorporating data from in vitro experimental studies (internal data) indicates that this missense variant is not expected to disrupt PMS2 function with a negative predictive value of 95%. In summary, the available evidence is currently insufficient to determine the role of this variant in disease. Therefore, it has been classified as a Variant of Uncertain Significance.